The following is an entry in ClinVar:

ClinVar aggregate classification (germline): Benign (1 of 4 stars; one submission).

Conditions:
Maple syrup urine disease (MSUD). Identifiers: Orphanet 511, MedGen C0024776, MeSH D008375, MONDO:0009563. Disease mechanism: loss of function.

Allele frequency attached by ClinVar (database versions not stated): 1000 Genomes Project 0.71546; 1000 Genomes Project 30x 0.71783; gnomAD 0.77580 and 0.78101; TOPMed 0.77905.

Submission:

Illumina Laboratory Services, Illumina
Classification: Benign for Maple syrup urine disease type 1A. Last evaluated: 2018-01-13. Review status: criteria provided, single submitter. Criteria: ICSL Variant Classification Criteria 13 December 2019. Collection method: clinical testing. Allele origin: germline.
Comment: This variant was observed in the ICSL laboratory as part of a predisposition screen in an ostensibly healthy population. It had not been previously curated by ICSL or reported in the Human Gene Mutation Database (HGMD: prior to June 1st, 2018), and was therefore a candidate for classification through an automated scoring system. Utilizing variant allele frequency, disease prevalence and penetrance estimates, and inheritance mode, an automated score was calculated to assess if this variant is too frequent to cause the disease. Based on the score and internal cut-off values, a variant classified as benign is not then subjected to further curation. The score for this variant resulted in a classification of benign for this disease.

NM_183050.4(BCKDHB):c.*805T>C

Gene: BCKDHB (branched chain keto acid dehydrogenase E1 subunit beta; plus strand). Cytogenetic location: 6q14.1.
Variant type: single nucleotide variant.
Coding change: c.*805T>C on transcript NM_183050.4 (MANE Select); 805 bases downstream of the stop codon, T replaced by C.
Molecular consequence: 3 prime UTR variant. On other transcripts: non-coding transcript variant (1), intron variant (1).
Genome position (GRCh38, 1-based): chr6:80,344,609, T>C. VCF-style: chr6-80344609-T-C. GRCh37 (hg19) VCF-style: chr6-81054326-T-C.
Other names: c.*805T>C (NM_001318975.1); c.*8+797T>C (NM_000056.5).
Identifiers: ClinVar variation 358191 (VCV000358191.5), dbSNP rs4706839, ClinGen allele CA10627779.